The following is an entry in ClinVar:

ClinVar aggregate classification (germline): Benign/Likely benign. Review status: criteria provided, multiple submitters, no conflicts (2 of 4 stars). 3 submissions from 3 submitters: Benign (2); Likely benign (1). Last evaluated 2022-10-01.

Allele frequency attached by ClinVar (database versions not stated): 1000 Genomes Project 0.00140; 1000 Genomes Project 30x 0.00156; TOPMed 0.00249; gnomAD 0.00281 and 0.00282; ESP Exome Variant Server 0.00346; gnomAD exomes 0.00358 and 0.00364; ExAC 0.00403.
gnomAD v4.1: 5,724 of 1,613,584 alleles (0.35%); highest among the groups gnomAD compares: South Asian, 0.5%; 16 homozygotes.

Submissions (3):

CeGaT Center for Human Genetics Tuebingen
Classification: Likely benign. Last evaluated: 2022-10-01. Review status: criteria provided, single submitter. Criteria: CeGaT Center For Human Genetics Tuebingen Variant Classification Criteria Version 2. Collection method: clinical testing. Allele origin: germline. Affected: yes. Observed: 1 variant allele.
Comment: GRIN2C: BP4, BP7

Labcorp Genetics (formerly Invitae), Labcorp
Classification: Benign. Last evaluated: 2018-02-09. Review status: criteria provided, single submitter. Criteria: Invitae Variant Classification Sherloc (09022015). Collection method: clinical testing. Allele origin: germline.

Breakthrough Genomics
Classification: Benign. Review status: criteria provided, single submitter. Criteria: ACMG Guidelines, 2015. Collection method: not provided. Allele origin: germline. Inheritance: Unknown mechanism. Affected: yes.

NM_000835.6(GRIN2C):c.1557C>T (p.Ile519=)

Gene: GRIN2C (glutamate ionotropic receptor NMDA type subunit 2C; minus strand). Cytogenetic location: 17q25.1.
Variant type: single nucleotide variant.
Coding change: c.1557C>T on transcript NM_000835.6 (MANE Select); coding-DNA position 1557, C replaced by T.
Protein change: p.Ile519=; no amino-acid change (isoleucine 519 retained).
Molecular consequence: synonymous variant. On other transcripts: non-coding transcript variant (1).
Genome position (GRCh38, 1-based): chr17:74,849,868, G>A on the plus strand (C>T on the coding strand, the complement: GRIN2C is on the minus strand). VCF-style: chr17-74849868-G-A. GRCh37 (hg19) VCF-style: chr17-72846007-G-A.
Other names: c.1557C>T, p.Ile519= (NM_001278553.2).
Identifiers: ClinVar variation 731067 (VCV000731067.28), dbSNP rs74912643, ClinGen allele CA8752361.